The following is an entry in ClinVar:

ClinVar aggregate classification (germline): Pathogenic/Likely pathogenic. Review status: criteria provided, multiple submitters, no conflicts (2 of 4 stars). 5 submissions from 5 submitters: Pathogenic (4); Likely pathogenic (1). Last evaluated 2025-12-30.

Conditions:
ATP6V0A2-related disorder. Also called: ATP6V0A2-related condition.
Cutis laxa with osteodystrophy (ARCL2A). Also called: CUTIS LAXA, AUTOSOMAL RECESSIVE, TYPE IIA; CUTIS LAXA WITH BONE DYSTROPHY; CUTIS LAXA WITH GROWTH AND DEVELOPMENTAL DELAY; CUTIS LAXA WITH JOINT LAXITY AND RETARDED DEVELOPMENT; Autosomal recessive cutis laxa type 2A; Debré-Type Cutis Laxa. Identifiers: Orphanet 357058, MedGen C0268355, MONDO:0018163, OMIM 219200. Disease mechanism: loss of function.
Wrinkly skin syndrome (WSS). Also called: Type of Gerodermia osteodysplastica. Identifiers: Orphanet 2834, MedGen C0406587, MONDO:0010208, OMIM 278250.
ALG9 congenital disorder of glycosylation (CDG1L). Also called: CDG Il; CONGENITAL DISORDER OF GLYCOSYLATION, TYPE Il; ALG9-CDG. Identifiers: Orphanet 79328, MedGen C2931006, MONDO:0012117, OMIM 608776.

Allele frequency attached by ClinVar (database versions not stated): gnomAD exomes below 0.00001; gnomAD 0.00001; TOPMed 0.00001; ESP Exome Variant Server 0.00008.
gnomAD v4.1: 10 of 1,614,054 alleles (0.00062%); highest among the groups gnomAD compares: Non-Finnish European, 0.00068%; no homozygotes.

Submissions (5):

Labcorp Genetics (formerly Invitae), Labcorp
Classification: Pathogenic for ALG9 congenital disorder of glycosylation. Last evaluated: 2025-12-30. Review status: criteria provided, single submitter. Criteria: Invitae Variant Classification Sherloc (09022015). Collection method: clinical testing. Allele origin: germline.
Comment: This sequence change affects a donor splice site in intron 12 of the ATP6V0A2 gene. It is expected to disrupt RNA splicing. Variants that disrupt the donor or acceptor splice site typically lead to a loss of protein function (PMID: 16199547), and loss-of-function variants in ATP6V0A2 are known to be pathogenic (PMID: 18157129, 19321599). This variant is present in population databases (rs374480381, gnomAD 0.0009%). Disruption of this splice site has been observed in individual(s) with Cutis laxa (PMID: 19321599). ClinVar contains an entry for this variant (Variation ID: 95519). Algorithms developed to predict the effect of sequence changes on RNA splicing suggest that this variant may disrupt the consensus splice site. For these reasons, this variant has been classified as Pathogenic.

GeneDx
Classification: Likely pathogenic. Last evaluated: 2023-08-31. Review status: criteria provided, single submitter. Criteria: GeneDx Variant Classification Process June 2021. Collection method: clinical testing. Allele origin: germline. Affected: yes.
Comment: Has been reported in an individual with autosomal recessive cutis laxa who also harbored another ATP6V0A2 variant (Hucthagowder et al., 2009).; Identified in an individual referred for testing for congenital disorders of glycosylation who was heterozygous for a deletion of exon 9 of the ATP6V0A2 gene (Jones et al., 2013).; Not observed at significant frequency in large population cohorts (gnomAD); Canonical splice site variant predicted to result in a null allele in a gene for which loss of function is a known mechanism of disease; This variant is associated with the following publications: (PMID: 23806237, 27577878, 19321599, 33369135)

Fulgent Genetics
Classification: Pathogenic for Cutis laxa with osteodystrophy; Wrinkly skin syndrome. Last evaluated: 2022-05-17. Review status: criteria provided, single submitter. Criteria: ACMG Guidelines, 2015. Collection method: clinical testing. Allele origin: unknown.

Blueprint Genetics
Classification: Pathogenic for ATP6V0A2-related disorders. Last evaluated: 2022-03-30. Review status: criteria provided, single submitter. Criteria: ACMG Guidelines, 2015. Collection method: clinical testing. Allele origin: germline. Affected: yes. Observed: 5 variant alleles.

Eurofins Ntd Llc (ga)
Classification: Pathogenic. Last evaluated: 2012-08-02. Review status: criteria provided, single submitter. Criteria: EGL Classification Definitions. Collection method: clinical testing. Allele origin: germline. Observed: 3 variant alleles, 1 heterozygote, 2 homozygotes.

Literature cited by the submitters: PubMed 16199547 (cited by Labcorp Genetics (formerly Invitae), Labcorp); PubMed 18157129 (cited by Labcorp Genetics (formerly Invitae), Labcorp); PubMed 19321599 (cited by Labcorp Genetics (formerly Invitae), Labcorp).

NM_012463.4(ATP6V0A2):c.1514+1G>A

Gene: ATP6V0A2 (ATPase H+ transporting V0 subunit a2; plus strand). Cytogenetic location: 12q24.31.
Variant type: single nucleotide variant.
Coding change: c.1514+1G>A on transcript NM_012463.4 (MANE Select); the canonical splice donor site of the intron after coding-DNA position 1514, G replaced by A.
Molecular consequence: splice donor variant.
Genome position (GRCh38, 1-based): chr12:123,744,785, G>A. VCF-style: chr12-123744785-G-A. GRCh37 (hg19) VCF-style: chr12-124229332-G-A.
Identifiers: ClinVar variation 95519 (VCV000095519.12), dbSNP rs374480381, ClinGen allele CA223051.